The following is an entry in ClinVar:

ClinVar aggregate classification (germline): Pathogenic (1 of 4 stars; one submission).

Conditions:
Autosomal recessive limb-girdle muscular dystrophy. Identifiers: Orphanet 102015, MedGen C2931907, MONDO:0015152.

Submission:

Myriad Genetics, Inc.
Classification: Pathogenic for Autosomal recessive limb-girdle muscular dystrophy. Last evaluated: 2023-10-27. Review status: criteria provided, single submitter. Criteria: Myriad Autosomal Dominant, Autosomal Recessive and X-Linked Classification Criteria (2023). Collection method: clinical testing. Allele origin: unknown.
Comment: NM_003494.3(DYSF):c.3733_3736delTGTC(C1245Nfs*15) is expected to be pathogenic in the context of dysferlinopathy. This variant is predicted to lead to an abnormal or absent protein product due to the creation of a premature termination codon in DYSF, a gene where loss-of-function variants are known to be pathogenic. Please note: this variant was assessed in the context of healthy population screening.

NM_001130987.2(DYSF):c.3787_3790del (p.Cys1263fs)

Gene: DYSF (dysferlin; plus strand). Cytogenetic location: 2p13.2.
Variant type: Deletion.
Coding change: c.3787_3790del on transcript NM_001130987.2 (MANE Select); coding-DNA positions 3787 to 3790, 4 bases deleted (TGTC; older notation c.3787_3790delTGTC).
Protein change: p.Cys1263fs; shifts the reading frame from cysteine 1263.
Molecular consequence: frameshift variant.
Genome position (GRCh38, 1-based): chr2:71,600,732-71,600,735, TGTC deleted; deleting any 4 consecutive bases within chr2:71,600,730-71,600,735 gives the same sequence; the c. name uses the placement nearest the transcript's 3' end. VCF-style (leftmost placement, unchanged base first): chr2-71600729-ATCTG-A. GRCh37 (hg19) VCF-style: chr2-71827859-ATCTG-A.
Other names: c.3784_3787del, p.Cys1262fs (NM_001130980.2, NM_001130981.2); c.3829_3832del, p.Cys1277fs (NM_001130982.2); c.3736_3739del, p.Cys1246fs (NM_001130983.2, NM_001130455.2); c.3694_3697del, p.Cys1232fs (NM_001130984.2, NM_001130986.2); c.3787_3790del, p.Cys1263fs (NM_001130985.2); c.3733_3736del, p.Cys1245fs (NM_003494.4, NM_001130978.2); c.3691_3694del, p.Cys1231fs (NM_001130976.2, NM_001130977.2); c.3826_3829del, p.Cys1276fs (NM_001130979.2); short protein forms C1231fs, C1232fs, C1245fs, C1246fs, C1262fs, C1263fs, C1276fs, C1277fs.
Identifiers: ClinVar variation 5012438 (VCV005012438.1).